The following is an entry in ClinVar:

NM_001374353.1(GLI2):c.4184C>G (p.Thr1395Arg)

Gene: GLI2 (GLI family zinc finger 2; plus strand). Cytogenetic location: 2q14.2.
Variant type: single nucleotide variant.
Coding change: c.4184C>G on transcript NM_001374353.1 (MANE Select); coding-DNA position 4184, C replaced by G.
Protein change: p.Thr1395Arg; replaces threonine 1395 with arginine.
Molecular consequence: missense variant.
Genome position (GRCh38, 1-based): chr2:120,990,149, C>G. VCF-style: chr2-120990149-C-G. GRCh37 (hg19) VCF-style: chr2-121747725-C-G.
Other names: c.4235C>G, p.Thr1412Arg (NM_001371271.1, NM_005270.5); c.3809C>G, p.Thr1270Arg (NM_001374354.1); short protein forms T1270R, T1395R, T1412R.
Identifiers: ClinVar variation 2575000 (VCV002575000.2), dbSNP rs763722028, ClinGen allele CA348178878.

ClinVar aggregate classification (germline): Uncertain significance (1 of 4 stars; one submission).

gnomAD v4.1: 11 of 1,610,852 alleles (0.00068%); highest among the groups gnomAD compares: Non-Finnish European, 0.00085%; no homozygotes.

Submission:

GeneDx
Classification: Uncertain significance. Last evaluated: 2024-11-11. Review status: criteria provided, single submitter. Criteria: GeneDx Variant Classification Process June 2021. Collection method: clinical testing. Allele origin: germline. Affected: yes.
Comment: Not observed at significant frequency in large population cohorts (gnomAD); In silico analysis indicates that this missense variant does not alter protein structure/function; Has not been previously published as pathogenic or benign to our knowledge